The following is an entry in ClinVar:

ClinVar aggregate classification (germline): Conflicting classifications of pathogenicity. Review status: criteria provided, conflicting classifications (1 of 4 stars). 2 submissions from 2 submitters: Uncertain significance (1); Likely benign (1). Last evaluated 2024-01-11.

Allele frequency attached by ClinVar (database versions not stated): gnomAD exomes 0.00001; gnomAD 0.00002; ExAC 0.00005; 1000 Genomes Project 30x 0.00016; 1000 Genomes Project 0.00020.
gnomAD v4.1: 22 of 1,613,958 alleles (0.0014%); highest among the groups gnomAD compares: Admixed American, 0.022%; no homozygotes.

Submissions (2):

Blueprint Genetics
Classification: Likely benign. Last evaluated: 2024-01-11. Review status: criteria provided, single submitter. Criteria: ACMG Guidelines, 2015. Collection method: clinical testing. Allele origin: germline.

Labcorp Genetics (formerly Invitae), Labcorp
Classification: Uncertain significance. Last evaluated: 2022-08-15. Review status: criteria provided, single submitter. Criteria: Invitae Variant Classification Sherloc (09022015). Collection method: clinical testing. Allele origin: germline.
Comment: This sequence change affects codon 103 of the KIAA0556 mRNA. It is a 'silent' change, meaning that it does not change the encoded amino acid sequence of the KIAA0556 protein. It affects a nucleotide within the consensus splice site. This variant is present in population databases (rs143923575, gnomAD 0.04%). This variant has not been reported in the literature in individuals affected with KIAA0556-related conditions. Algorithms developed to predict the effect of sequence changes on RNA splicing suggest that this variant is not likely to affect RNA splicing. In summary, the available evidence is currently insufficient to determine the role of this variant in disease. Therefore, it has been classified as a Variant of Uncertain Significance.

NM_015202.5(KATNIP):c.309C>T (p.His103=)

Gene: KATNIP (katanin interacting protein; plus strand). Cytogenetic location: 16p12.1.
Variant type: single nucleotide variant.
Coding change: c.309C>T on transcript NM_015202.5 (MANE Select); coding-DNA position 309, C replaced by T.
Protein change: p.His103=; no amino-acid change (histidine 103 retained).
Molecular consequence: synonymous variant.
Genome position (GRCh38, 1-based): chr16:27,628,829, C>T. VCF-style: chr16-27628829-C-T. GRCh37 (hg19) VCF-style: chr16-27640150-C-T.
Identifiers: ClinVar variation 2064315 (VCV002064315.2), dbSNP rs143923575, ClinGen allele CA7977274.